The following is an entry in ClinVar:

NM_058216.3(RAD51C):c.118G>A (p.Glu40Lys)

Gene: RAD51C (RAD51 paralog C; plus strand). Cytogenetic location: 17q22.
Variant type: single nucleotide variant.
Coding change: c.118G>A on transcript NM_058216.3 (MANE Select); coding-DNA position 118, G replaced by A.
Protein change: p.Glu40Lys; replaces glutamic acid 40 with lysine.
Molecular consequence: missense variant. On other transcripts: non-coding transcript variant (1).
Genome position (GRCh38, 1-based): chr17:58,692,761, G>A. VCF-style: chr17-58692761-G-A. GRCh37 (hg19) VCF-style: chr17-56770122-G-A.
Other names: c.118G>A, p.Glu40Lys (NM_002876.4); short protein forms E40K.
Identifiers: ClinVar variation 188123 (VCV000188123.26), dbSNP rs786204086, ClinGen allele CA334101.

ClinVar aggregate classification (germline): Conflicting classifications of pathogenicity. Review status: criteria provided, conflicting classifications (1 of 4 stars). 8 submissions from 8 submitters: Uncertain significance (7); Benign (1). Last evaluated 2025-12-01.

Conditions:
Breast-ovarian cancer, familial, susceptibility to, 3. Also called: RAD51C-Related Breast/Ovarian Cancer. Identifiers: Orphanet 145, MedGen C3150659, MONDO:0013253, OMIM 613399.
Fanconi anemia complementation group O. Also called: RAD51C-Related Fanconi Anemia. Identifiers: Orphanet 84, MedGen C3150653, MONDO:0013248, OMIM 613390.
Hereditary cancer-predisposing syndrome. Also called: Hereditary Cancer Syndrome; Neoplastic Syndromes, Hereditary; Tumor predisposition; Hereditary neoplastic syndrome. Identifiers: Orphanet 140162, MedGen C0027672, MeSH D009386, MONDO:0015356.

Allele frequency attached by ClinVar (database versions not stated): gnomAD exomes below 0.00001.
gnomAD v4.1: 1 of 1,614,246 alleles (0.000062%); highest among the groups gnomAD compares: Non-Finnish European, 0.000085%; no homozygotes.

Submissions (8):

Labcorp Genetics (formerly Invitae), Labcorp
Classification: Uncertain significance for Fanconi anemia complementation group O. Last evaluated: 2025-12-01. Review status: criteria provided, single submitter. Criteria: Invitae Variant Classification Sherloc (09022015). Collection method: clinical testing. Allele origin: germline.
Comment: This sequence change replaces glutamic acid, which is acidic and polar, with lysine, which is basic and polar, at codon 40 of the RAD51C protein (p.Glu40Lys). This variant is not present in population databases (gnomAD no frequency). This variant has not been reported in the literature in individuals affected with RAD51C-related conditions. ClinVar contains an entry for this variant (Variation ID: 188123). Invitae Evidence Modeling of protein sequence and biophysical properties (such as structural, functional, and spatial information, amino acid conservation, physicochemical variation, residue mobility, and thermodynamic stability) indicates that this missense variant is not expected to disrupt RAD51C protein function with a negative predictive value of 80%. In summary, the available evidence is currently insufficient to determine the role of this variant in disease. Therefore, it has been classified as a Variant of Uncertain Significance.

Ambry Genetics
Classification: Benign for Hereditary cancer-predisposing syndrome. Last evaluated: 2025-10-08. Review status: criteria provided, single submitter. Criteria: Ambry Variant Classification Scheme 2023. Collection method: clinical testing. Allele origin: germline.

Baylor Genetics
Classification: Uncertain significance for Breast-ovarian cancer, familial, susceptibility to, 3. Last evaluated: 2023-09-06. Review status: criteria provided, single submitter. Criteria: ACMG Guidelines, 2015. Collection method: clinical testing. Allele origin: unknown.

GeneDx
Classification: Uncertain significance. Last evaluated: 2023-05-30. Review status: criteria provided, single submitter. Criteria: GeneDx Variant Classification Process June 2021. Collection method: clinical testing. Allele origin: germline. Affected: yes.
Comment: Not observed at significant frequency in large population cohorts (gnomAD); In silico analysis supports that this missense variant does not alter protein structure/function; Has not been previously published as pathogenic or benign to our knowledge

Fulgent Genetics
Classification: Uncertain significance for Fanconi anemia complementation group O; Breast-ovarian cancer, familial, susceptibility to, 3. Last evaluated: 2022-05-24. Review status: criteria provided, single submitter. Criteria: ACMG Guidelines, 2015. Collection method: clinical testing. Allele origin: unknown.

Color Diagnostics, LLC DBA Color Health
Classification: Uncertain significance for Hereditary cancer-predisposing syndrome. Last evaluated: 2019-03-29. Review status: criteria provided, single submitter. Criteria: ACMG Guidelines, 2015. Collection method: clinical testing. Allele origin: germline.

Quest Diagnostics Nichols Institute San Juan Capistrano
Classification: Uncertain significance. Last evaluated: 2018-11-01. Review status: criteria provided, single submitter. Criteria: Quest Diagnostics criteria. Collection method: clinical testing. Allele origin: germline.

Center for Genomics, Ann and Robert H. Lurie Children's Hospital of Chicago
Classification: Uncertain significance for Fanconi anemia complementation group O; Breast-ovarian cancer, familial, susceptibility to, 3. Review status: criteria provided, single submitter. Criteria: ACMG Guidelines, 2015. Collection method: clinical testing. Allele origin: germline.
Comment: RAD51C NM_058216.1 exon 1 p.Glu40Lys (c.118G>A): This variant has not been reported in the literature and is not present in large control databases. This variant is present in ClinVar (Variation ID:188123). Evolutionary conservation and computational predictive tools suggest that this variant may not impact the protein. In summary, data on this variant is insufficient for disease classification. Therefore, the clinical significance of this variant is uncertain